The following is an entry in ClinVar:

NM_032383.5(HPS3):c.189_190insTCACAGAT (p.Val64fs)

Gene: HPS3 (HPS3 biogenesis of lysosomal organelles complex 2 subunit 1; plus strand). Cytogenetic location: 3q24.
Variant type: Insertion.
Coding change: c.189_190insTCACAGAT on transcript NM_032383.5 (MANE Select); coding-DNA positions 189 to 190, TCACAGAT inserted.
Protein change: p.Val64fs; shifts the reading frame from valine 64.
Molecular consequence: frameshift variant.
Genome position: GRCh38 VCF-style: chr3-149129912-G-GTCACAGAT. GRCh37 (hg19) VCF-style: chr3-148847699-G-GTCACAGAT.
Other names: c.189_190insTCACAGAT, p.Val64fs (NM_001308258.2); short protein forms V64fs.
Identifiers: ClinVar variation 5010860 (VCV005010860.1).

ClinVar aggregate classification (germline): Pathogenic (1 of 4 stars; one submission).

Conditions:
Hermansky-Pudlak syndrome 3 (HPS3). Identifiers: Orphanet 231512, Orphanet 79430, MedGen C3888001, MONDO:0013555, OMIM 614072.

Submission:

Myriad Genetics, Inc.
Classification: Pathogenic for Hermansky-Pudlak syndrome 3. Last evaluated: 2024-05-14. Review status: criteria provided, single submitter. Criteria: Myriad Autosomal Dominant, Autosomal Recessive and X-Linked Classification Criteria (2023). Collection method: clinical testing. Allele origin: unknown.
Comment: NM_032383.3(HPS3):c.189_190ins8(V64Sfs*17) is expected to be pathogenic in the context of Hermansky-Pudlak syndrome, HPS3-related. This variant is predicted to lead to an abnormal or absent protein product due to the creation of a premature termination codon in HPS3, a gene where loss-of-function variants are known to be pathogenic. Please note: this variant was assessed in the context of healthy population screening.